The following is an entry in ClinVar:

NM_024675.4(PALB2):c.2190C>G (p.Ile730Met)

Gene: PALB2 (partner and localizer of BRCA2; minus strand). Cytogenetic location: 16p12.2.
Variant type: single nucleotide variant.
Coding change: c.2190C>G on transcript NM_024675.4 (MANE Select); coding-DNA position 2190, C replaced by G.
Protein change: p.Ile730Met; replaces isoleucine 730 with methionine.
Molecular consequence: missense variant. On other transcripts: intron variant (1).
Genome position (GRCh38, 1-based): chr16:23,629,964, G>C on the plus strand (C>G on the coding strand, the complement: PALB2 is on the minus strand). VCF-style: chr16-23629964-G-C. GRCh37 (hg19) VCF-style: chr16-23641285-G-C.
Other names: c.2130C>G, p.Ile710Met (NM_001407296.1); c.2190C>G, p.Ile730Met (NM_001407297.1, NM_001407298.1, NM_001407299.1 and 3 more transcripts); c.1305C>G, p.Ile435Met (NM_001407304.1, NM_001407305.1, NM_001407306.1 and 5 more transcripts); c.402C>G, p.Ile134Met (NM_001407312.1, NM_001407313.1); c.49-689C>G (NM_001407314.1); short protein forms I435M, I730M, I134M, I710M.
Identifiers: ClinVar variation 2774006 (VCV002774006.2), dbSNP rs958771546, ClinGen allele CA395125611.

ClinVar aggregate classification (germline): Uncertain significance (1 of 4 stars; one submission).

Conditions:
Hereditary cancer-predisposing syndrome. Also called: Hereditary neoplastic syndrome; Hereditary Cancer Syndrome; Neoplastic Syndromes, Hereditary; Tumor predisposition. Identifiers: Orphanet 140162, MedGen C0027672, MeSH D009386, MONDO:0015356.

Submission:

Color Diagnostics, LLC DBA Color Health
Classification: Uncertain significance for Hereditary cancer-predisposing syndrome. Last evaluated: 2022-11-03. Review status: criteria provided, single submitter. Criteria: ACMG Guidelines, 2015. Collection method: clinical testing. Allele origin: germline.
Comment: This missense variant replaces isoleucine with methionine at codon 730 of the PALB2 protein. Computational prediction suggests that this variant may not impact protein structure and function (internally defined REVEL score threshold <= 0.5, PMID: 27666373). To our knowledge, functional studies have not been reported for this variant. This variant has been detected in a breast cancer case-control meta-analysis in 0/60466 cases and 1/53461 unaffected individuals (PMID: 33471991; Leiden Open Variation Database DB-ID PALB2_010926). This variant has not been identified in the general population by the Genome Aggregation Database (gnomAD). The available evidence is insufficient to determine the role of this variant in disease conclusively. Therefore, this variant is classified as a Variant of Uncertain Significance.

Literature cited by the submitters: PubMed 33471991.